The following is an entry in ClinVar:

ClinVar aggregate classification (germline): Benign/Likely benign. Review status: criteria provided, multiple submitters, no conflicts (2 of 4 stars). 2 submissions from 2 submitters: Benign (1); Likely benign (1). Last evaluated 2026-08-01.

Allele frequency attached by ClinVar (database versions not stated): 1000 Genomes Project 30x 0.00094; 1000 Genomes Project 0.00120; TOPMed 0.00283; ExAC 0.00367; gnomAD exomes 0.00378 and 0.00437; ESP Exome Variant Server 0.00400; gnomAD 0.00548.
gnomAD v4.1: 6,919 of 1,614,016 alleles (0.43%); highest among the groups gnomAD compares: Middle Eastern, 0.48%; 19 homozygotes.

Submissions (2):

CeGaT Center for Human Genetics Tuebingen
Classification: Likely benign. Last evaluated: 2026-08-01. Review status: criteria provided, single submitter. Criteria: CeGaT Center For Human Genetics Tuebingen Variant Classification Criteria Version 2. Collection method: clinical testing. Allele origin: germline. Affected: yes. Observed: 2 variant alleles.
Comment: OAS2: BP4, BP7, BS2

Labcorp Genetics (formerly Invitae), Labcorp
Classification: Benign. Last evaluated: 2019-12-31. Review status: criteria provided, single submitter. Criteria: Invitae Variant Classification Sherloc (09022015). Collection method: clinical testing. Allele origin: germline.

NM_002535.3(OAS2):c.1857C>T (p.Thr619=)

Genes: OAS2 (2'-5'-oligoadenylate synthetase 2; plus strand), LOC126861641 (BRD4-independent group 4 enhancer GRCh37_chr12:113444541-113445740; plus strand). Cytogenetic location: 12q24.13.
Variant type: single nucleotide variant.
Coding change: c.1857C>T on transcript NM_002535.3 (MANE Select); coding-DNA position 1857, C replaced by T.
Protein change: p.Thr619=; no amino-acid change (threonine 619 retained).
Molecular consequence: synonymous variant.
Genome position (GRCh38, 1-based): chr12:113,007,905, C>T. VCF-style: chr12-113007905-C-T. GRCh37 (hg19) VCF-style: chr12-113445710-C-T.
Other names: c.1857C>T, p.Thr619= (NM_016817.3).
Identifiers: ClinVar variation 789525 (VCV000789525.5), dbSNP rs45514594, ClinGen allele CA6801584.